The following is an entry in ClinVar:

ClinVar aggregate classification (germline): Uncertain significance (1 of 4 stars; one submission).

Submission:

Labcorp Genetics (formerly Invitae), Labcorp
Classification: Uncertain significance. Last evaluated: 2022-12-30. Review status: criteria provided, single submitter. Criteria: Invitae Variant Classification Sherloc (09022015). Collection method: clinical testing. Allele origin: germline.
Comment: Advanced modeling of protein sequence and biophysical properties (such as structural, functional, and spatial information, amino acid conservation, physicochemical variation, residue mobility, and thermodynamic stability) performed at Invitae indicates that this missense variant is not expected to disrupt DARS protein function. This variant has not been reported in the literature in individuals affected with DARS-related conditions. This variant is not present in population databases (gnomAD no frequency). This sequence change replaces glutamic acid, which is acidic and polar, with lysine, which is basic and polar, at codon 335 of the DARS protein (p.Glu335Lys). In summary, the available evidence is currently insufficient to determine the role of this variant in disease. Therefore, it has been classified as a Variant of Uncertain Significance.

NM_001349.4(DARS1):c.1003G>A (p.Glu335Lys)

Gene: DARS1 (aspartyl-tRNA synthetase 1; minus strand). Cytogenetic location: 2q21.3.
Variant type: single nucleotide variant.
Coding change: c.1003G>A on transcript NM_001349.4 (MANE Select); coding-DNA position 1003, G replaced by A.
Protein change: p.Glu335Lys; replaces glutamic acid 335 with lysine.
Molecular consequence: missense variant.
Genome position (GRCh38, 1-based): chr2:135,916,329, C>T on the plus strand (G>A on the coding strand, the complement: DARS1 is on the minus strand). VCF-style: chr2-135916329-C-T. GRCh37 (hg19) VCF-style: chr2-136673899-C-T.
Other names: c.703G>A, p.Glu235Lys (NM_001293312.1); short protein forms E235K, E335K.
Identifiers: ClinVar variation 2807151 (VCV002807151.3), dbSNP rs2467354900, ClinGen allele CA348650472.